The following is an entry in ClinVar:

NM_021625.5(TRPV4):c.978T>A (p.His326Gln)

Gene: TRPV4 (transient receptor potential cation channel subfamily V member 4; minus strand). Cytogenetic location: 12q24.11.
Variant type: single nucleotide variant.
Coding change: c.978T>A on transcript NM_021625.5 (MANE Select); coding-DNA position 978, T replaced by A.
Protein change: p.His326Gln; replaces histidine 326 with glutamine.
Molecular consequence: missense variant.
Genome position (GRCh38, 1-based): chr12:109,798,788, A>T on the plus strand (T>A on the coding strand, the complement: TRPV4 is on the minus strand). VCF-style: chr12-109798788-A-T. GRCh37 (hg19) VCF-style: chr12-110236593-A-T.
Other names: c.837T>A, p.His279Gln (NM_001177428.2, NM_001177433.2); c.876T>A, p.His292Gln (NM_001177431.2); c.978T>A, p.His326Gln (NM_147204.3); short protein forms H279Q, H292Q, H326Q.
Identifiers: ClinVar variation 942164 (VCV000942164.10), dbSNP rs1890587000, ClinGen allele CA386654706.

ClinVar aggregate classification (germline): Uncertain significance. Review status: criteria provided, multiple submitters, no conflicts (2 of 4 stars). 2 submissions from 2 submitters: Uncertain significance (2). Last evaluated 2025-01-14.

Conditions:
Charcot-Marie-Tooth disease axonal type 2C (HMSN2C). Also called: Charcot-Marie-Tooth Disease Type 2, TRPV4-Related (CMT2C); CHARCOT-MARIE-TOOTH DISEASE, AXONAL, AUTOSOMAL DOMINANT, TYPE 2C; Charcot-Marie-Tooth Neuropathy Type 2C. Identifiers: Orphanet 99937, MedGen C1853710, MONDO:0011633, OMIM 606071.

Submissions (2):

GeneDx
Classification: Uncertain significance. Last evaluated: 2025-01-14. Review status: criteria provided, single submitter. Criteria: GeneDx Variant Classification Process June 2021. Collection method: clinical testing. Allele origin: germline. Affected: yes.
Comment: Not observed at significant frequency in large population cohorts (gnomAD); In silico analysis supports that this missense variant has a deleterious effect on protein structure/function; Has not been previously published as pathogenic or benign to our knowledge

Labcorp Genetics (formerly Invitae), Labcorp
Classification: Uncertain significance for Charcot-Marie-Tooth disease axonal type 2C. Last evaluated: 2019-08-23. Review status: criteria provided, single submitter. Criteria: Invitae Variant Classification Sherloc (09022015). Collection method: clinical testing. Allele origin: germline.
Comment: Algorithms developed to predict the effect of missense changes on protein structure and function are either unavailable or do not agree on the potential impact of this missense change (SIFT: "Deleterious"; PolyPhen-2: "Benign"; Align-GVGD: "Class C0"). In summary, the available evidence is currently insufficient to determine the role of this variant in disease. Therefore, it has been classified as a Variant of Uncertain Significance. This variant has not been reported in the literature in individuals with TRPV4-related conditions. This variant is not present in population databases (ExAC no frequency). This sequence change replaces histidine with glutamine at codon 326 of the TRPV4 protein (p.His326Gln). The histidine residue is highly conserved and there is a small physicochemical difference between histidine and glutamine.